The following is an entry in ClinVar:

ClinVar aggregate classification (germline): Uncertain significance (1 of 4 stars; one submission).

Submission:

Labcorp Genetics (formerly Invitae), Labcorp
Classification: Uncertain significance. Last evaluated: 2022-01-28. Review status: criteria provided, single submitter. Criteria: Invitae Variant Classification Sherloc (09022015). Collection method: clinical testing. Allele origin: germline.
Comment: This sequence change replaces histidine, which is basic and polar, with glutamine, which is neutral and polar, at codon 2910 of the UNC80 protein (p.His2910Gln). This variant is not present in population databases (gnomAD no frequency). This variant has not been reported in the literature in individuals affected with UNC80-related conditions. Algorithms developed to predict the effect of missense changes on protein structure and function are either unavailable or do not agree on the potential impact of this missense change (SIFT: "Not Available"; PolyPhen-2: "Probably Damaging"; Align-GVGD: "Not Available"). In summary, the available evidence is currently insufficient to determine the role of this variant in disease. Therefore, it has been classified as a Variant of Uncertain Significance.

NM_001371986.1(UNC80):c.8928T>G (p.His2976Gln)

Gene: UNC80 (unc-80 homolog, NALCN channel complex subunit; plus strand). Cytogenetic location: 2q34.
Variant type: single nucleotide variant.
Coding change: c.8928T>G on transcript NM_001371986.1 (MANE Select); coding-DNA position 8928, T replaced by G.
Protein change: p.His2976Gln; replaces histidine 2976 with glutamine.
Molecular consequence: missense variant.
Genome position (GRCh38, 1-based): chr2:209,977,068, T>G. VCF-style: chr2-209977068-T-G. GRCh37 (hg19) VCF-style: chr2-210841792-T-G.
Other names: c.8730T>G, p.His2910Gln (NM_032504.2); c.8715T>G, p.His2905Gln (NM_182587.4); short protein forms H2905Q, H2976Q, H2910Q.
Identifiers: ClinVar variation 1930832 (VCV001930832.2), dbSNP rs2093032495, ClinGen allele CA350414340.